The following is an entry in ClinVar:

ClinVar aggregate classification (germline): Likely benign. Review status: criteria provided, single submitter (1 of 4 stars). 2 submissions from 2 submitters: Likely benign (1). 1 of the submissions does not count toward it. Last evaluated 2024-09-16.

Conditions:
TAF1-related disorder. Also called: TAF1-related condition.

Allele frequency attached by ClinVar (database versions not stated): gnomAD 0.00017 and 0.00018; TOPMed 0.00019; ESP Exome Variant Server 0.00038; 1000 Genomes Project 0.00079; 1000 Genomes Project 30x 0.00104.
gnomAD v4.1: 46 of 1,193,289 alleles (0.0039%); highest among the groups gnomAD compares: African/African-American, 0.078%; 1 homozygote.

Submissions (2):

Labcorp Genetics (formerly Invitae), Labcorp
Classification: Likely benign. Last evaluated: 2024-09-16. Review status: criteria provided, single submitter. Criteria: Invitae Variant Classification Sherloc (09022015). Collection method: clinical testing. Allele origin: germline.

PreventionGenetics, part of Exact Sciences
Classification: Likely benign for TAF1-related condition. Last evaluated: 2019-08-14. Review status: no assertion criteria provided. Collection method: clinical testing. Allele origin: germline. Not counted in ClinVar's aggregate classification.
Comment: This variant is classified as likely benign based on ACMG/AMP sequence variant interpretation guidelines (Richards et al. 2015 PMID: 25741868, with internal and published modifications).

NM_004606.5(TAF1):c.4822-3C>T

Gene: TAF1 (TATA-box binding protein associated factor 1; plus strand). Cytogenetic location: Xq13.1.
Variant type: single nucleotide variant.
Coding change: c.4822-3C>T on transcript NM_004606.5 (MANE Select); 3 bases into the intron before coding-DNA position 4822, C replaced by T.
Molecular consequence: intron variant.
Genome position (GRCh38, 1-based): chrX:71,454,738, C>T. VCF-style: chrX-71454738-C-T. GRCh37 (hg19) VCF-style: chrX-70674588-C-T.
Other names: c.4822-3C>T (NM_001286074.2); c.4759-3C>T (NM_138923.4); c.4882-3C>T (NM_001286074.1).
Identifiers: ClinVar variation 800227 (VCV000800227.10), dbSNP rs189168026, ClinGen allele CA10447268.